The following is an entry in ClinVar:

NM_005859.5(PURA):c.102T>G (p.Gly34=)

Gene: PURA (purine rich element binding protein A; plus strand). Cytogenetic location: 5q31.3.
Variant type: single nucleotide variant.
Coding change: c.102T>G on transcript NM_005859.5 (MANE Select); coding-DNA position 102, T replaced by G.
Protein change: p.Gly34=; no amino-acid change (glycine 34 retained).
Molecular consequence: synonymous variant.
Genome position (GRCh38, 1-based): chr5:140,114,283, T>G. VCF-style: chr5-140114283-T-G. GRCh37 (hg19) VCF-style: chr5-139493868-T-G.
Identifiers: ClinVar variation 2655735 (VCV002655735.24), dbSNP rs1446546980, ClinGen allele CA446758549.

ClinVar aggregate classification (germline): Likely benign (1 of 4 stars; one submission).

Allele frequency attached by ClinVar (database versions not stated): gnomAD 0.00009.

Submission:

CeGaT Center for Human Genetics Tuebingen
Classification: Likely benign. Last evaluated: 2023-10-01. Review status: criteria provided, single submitter. Criteria: CeGaT Center For Human Genetics Tuebingen Variant Classification Criteria Version 2. Collection method: clinical testing. Allele origin: germline. Affected: yes. Observed: 5 variant alleles.
Comment: PURA: BP4, BP7